The following is an entry in ClinVar:

NM_144573.4(NEXN):c.1850T>G (p.Phe617Cys)

Gene: NEXN (nexilin F-actin binding protein; plus strand). Cytogenetic location: 1p31.1.
Variant type: single nucleotide variant.
Coding change: c.1850T>G on transcript NM_144573.4 (MANE Select); coding-DNA position 1850, T replaced by G.
Protein change: p.Phe617Cys; replaces phenylalanine 617 with cysteine.
Molecular consequence: missense variant.
Genome position (GRCh38, 1-based): chr1:77,942,651, T>G. VCF-style: chr1-77942651-T-G. GRCh37 (hg19) VCF-style: chr1-78408336-T-G.
Other names: c.1658T>G, p.Phe553Cys (NM_001172309.2); short protein forms F553C, F617C.
Identifiers: ClinVar variation 1703977 (VCV001703977.2), dbSNP rs1445213406, ClinGen allele CA340882988.

ClinVar aggregate classification (germline): Uncertain significance (1 of 4 stars; one submission).

Submission:

GeneDx
Classification: Uncertain significance. Last evaluated: 2022-03-04. Review status: criteria provided, single submitter. Criteria: GeneDx Variant Classification Process June 2021. Collection method: clinical testing. Allele origin: germline. Affected: yes.
Comment: Has not been previously published as pathogenic or benign to our knowledge; Not observed at significant frequency in large population cohorts (gnomAD); In silico analysis supports that this missense variant has a deleterious effect on protein structure/function